The following is an entry in ClinVar:

NM_004982.4(KCNJ8):c.538A>G (p.Lys180Glu)

Genes: KCNJ8 (potassium inwardly rectifying channel subfamily J member 8; minus strand), KCNJ8-AS1 (KCNJ8 antisense RNA 1; plus strand). Cytogenetic location: 12p12.1.
Variant type: single nucleotide variant.
Coding change: c.538A>G on transcript NM_004982.4 (MANE Select); coding-DNA position 538, A replaced by G.
Protein change: p.Lys180Glu; replaces lysine 180 with glutamic acid.
Molecular consequence: missense variant.
Genome position (GRCh38, 1-based): chr12:21,766,460, T>C on the plus strand (A>G on the coding strand, the complement: KCNJ8 is on the minus strand). VCF-style: chr12-21766460-T-C. GRCh37 (hg19) VCF-style: chr12-21919394-T-C.
Identifiers: ClinVar variation 2451397 (VCV002451397.2), dbSNP rs2540721047, ClinGen allele CA384126961.

ClinVar aggregate classification (germline): Uncertain significance (1 of 4 stars; one submission).

Conditions:
Cardiovascular phenotype. Identifiers: MedGen CN230736.

Submission:

Ambry Genetics
Classification: Uncertain significance for Cardiovascular phenotype. Last evaluated: 2023-02-16. Review status: criteria provided, single submitter. Criteria: Ambry Variant Classification Scheme 2023. Collection method: clinical testing. Allele origin: germline.
Comment: The p.K180E variant (also known as c.538A>G), located in coding exon 2 of the KCNJ8 gene, results from an A to G substitution at nucleotide position 538. The lysine at codon 180 is replaced by glutamic acid, an amino acid with similar properties. This amino acid position is conserved. In addition, this alteration is predicted to be deleterious by in silico analysis. Since supporting evidence is limited at this time, the clinical significance of this alteration remains unclear.